The following is an entry in ClinVar:

ClinVar aggregate classification (germline): Uncertain significance (1 of 4 stars; one submission).

Conditions:
Glycogen storage disease, type II (IOPD). Also called: Glucosidase acid-1,4-alpha deficiency; POMPE DISEASE, INFANTILE-ONSET; GLYCOGEN STORAGE DISEASE II, INFANTILE-ONSET; ACID ALPHA-GLUCOSIDASE DEFICIENCY, INFANTILE-ONSET; GAA DEFICIENCY, INFANTILE-ONSET; ACID MALTASE DEFICIENCY, INFANTILE-ONSET. Identifiers: Orphanet 365, MedGen C0017921, MONDO:0009290, OMIM 232300.

Allele frequency attached by ClinVar (database versions not stated): gnomAD exomes below 0.00001.
gnomAD v4.1: 1 of 1,612,494 alleles (0.000062%); highest among the groups gnomAD compares: Admixed American, 0.0017%; no homozygotes.

Submission:

Labcorp Genetics (formerly Invitae), Labcorp
Classification: Uncertain significance for Glycogen storage disease, type II. Last evaluated: 2022-01-05. Review status: criteria provided, single submitter. Criteria: Invitae Variant Classification Sherloc (09022015). Collection method: clinical testing. Allele origin: germline.
Comment: In summary, the available evidence is currently insufficient to determine the role of this variant in disease. Therefore, it has been classified as a Variant of Uncertain Significance. Variants that disrupt the consensus splice site are a relatively common cause of aberrant splicing (PMID: 17576681, 9536098). Algorithms developed to predict the effect of sequence changes on RNA splicing suggest that this variant may disrupt the consensus splice site. ClinVar contains an entry for this variant (Variation ID: 570906). This variant has not been reported in the literature in individuals affected with GAA-related conditions. This variant is present in population databases (no rsID available, gnomAD 0.003%). This sequence change falls in intron 7 of the GAA gene. It does not directly change the encoded amino acid sequence of the GAA protein. It affects a nucleotide within the consensus splice site.

Literature cited by the submitters: PubMed 17576681; PubMed 9536098.

NM_000152.5(GAA):c.1194+6T>C

Gene: GAA (alpha glucosidase; plus strand). Cytogenetic location: 17q25.3.
Variant type: single nucleotide variant.
Coding change: c.1194+6T>C on transcript NM_000152.5 (MANE Select); 6 bases into the intron after coding-DNA position 1194, T replaced by C.
Molecular consequence: intron variant.
Genome position (GRCh38, 1-based): chr17:80,108,613, T>C. VCF-style: chr17-80108613-T-C. GRCh37 (hg19) VCF-style: chr17-78082412-T-C.
Other names: c.1194+6T>C (LRG_673t1, NM_001079803.3, NM_001079804.3).
Identifiers: ClinVar variation 570906 (VCV000570906.7), dbSNP rs1470004759, ClinGen allele CA628018373.